The following is an entry in ClinVar:

ClinVar aggregate classification (germline): Uncertain significance (1 of 4 stars; one submission).

Submission:

Labcorp Genetics (formerly Invitae), Labcorp
Classification: Uncertain significance. Last evaluated: 2025-05-22. Review status: criteria provided, single submitter. Criteria: Invitae Variant Classification Sherloc (09022015). Collection method: clinical testing. Allele origin: germline.
Comment: This sequence change replaces phenylalanine, which is neutral and non-polar, with valine, which is neutral and non-polar, at codon 728 of the INTU protein (p.Phe728Val). This variant is not present in population databases (gnomAD no frequency). This variant has not been reported in the literature in individuals affected with INTU-related conditions. Invitae Evidence Modeling of protein sequence and biophysical properties (such as structural, functional, and spatial information, amino acid conservation, physicochemical variation, residue mobility, and thermodynamic stability) indicates that this missense variant is not expected to disrupt INTU protein function with a negative predictive value of 80%. In summary, the available evidence is currently insufficient to determine the role of this variant in disease. Therefore, it has been classified as a Variant of Uncertain Significance.

NM_015693.4(INTU):c.2182T>G (p.Phe728Val)

Gene: INTU (inturned planar cell polarity protein; plus strand). Cytogenetic location: 4q28.1.
Variant type: single nucleotide variant.
Coding change: c.2182T>G on transcript NM_015693.4 (MANE Select); coding-DNA position 2182, T replaced by G.
Protein change: p.Phe728Val; replaces phenylalanine 728 with valine.
Molecular consequence: missense variant.
Genome position (GRCh38, 1-based): chr4:127,706,880, T>G. VCF-style: chr4-127706880-T-G. GRCh37 (hg19) VCF-style: chr4-128628035-T-G.
Other names: short protein forms F728V.
Identifiers: ClinVar variation 4779670 (VCV004779670.1).